The following is an entry in ClinVar:

ClinVar aggregate classification (germline): Conflicting classifications of pathogenicity. Review status: criteria provided, conflicting classifications (1 of 4 stars). 3 submissions from 3 submitters: Uncertain significance (2); Benign (1). Last evaluated 2025-12-31.

Conditions:
Hypokalemic periodic paralysis, type 1. Also called: HypoPP; Hypokalemic Periodic Paralysis Type 1 (AD). Identifiers: Orphanet 681, MedGen C3714580, MONDO:0042979, OMIM 170400.
Malignant hyperthermia, susceptibility to, 5 (MHS5). Also called: CACNA1S-Related Malignant Hyperthermia Susceptibility. Identifiers: Orphanet 423, MedGen C1866077, MONDO:0011163, OMIM 601887.
Inborn genetic diseases. Identifiers: MedGen C0950123, MeSH D030342.

Allele frequency attached by ClinVar (database versions not stated): gnomAD 0.00001 and 0.00002; TOPMed 0.00002; gnomAD exomes 0.00003 and 0.00004; ExAC 0.00007.
gnomAD v4.1: 52 of 1,612,764 alleles (0.0032%); highest among the groups gnomAD compares: South Asian, 0.022%; no homozygotes.

Submissions (3):

Labcorp Genetics (formerly Invitae), Labcorp
Classification: Benign for Hypokalemic periodic paralysis, type 1; Malignant hyperthermia, susceptibility to, 5. Last evaluated: 2025-12-31. Review status: criteria provided, single submitter. Criteria: Invitae Variant Classification Sherloc (09022015). Collection method: clinical testing. Allele origin: germline.

Color Diagnostics, LLC DBA Color Health
Classification: Uncertain significance for Malignant hyperthermia, susceptibility to, 5. Last evaluated: 2023-12-12. Review status: criteria provided, single submitter. Criteria: ACMG Guidelines, 2015. Collection method: clinical testing. Allele origin: germline.
Comment: This missense variant replaces serine with leucine at codon 1143 of the CACNA1S protein. Computational prediction suggests that this variant may have deleterious impact on protein structure and function. To our knowledge, functional studies have not been reported for this variant. This variant has not been reported in individuals affected with CACNA1S-related disorders in the literature. This variant has been identified in 11/251370 chromosomes in the general population by the Genome Aggregation Database (gnomAD). The available evidence is insufficient to determine the role of this variant in disease conclusively. Therefore, this variant is classified as a Variant of Uncertain Significance.

Ambry Genetics
Classification: Uncertain significance for Inborn genetic diseases. Last evaluated: 2023-02-02. Review status: criteria provided, single submitter. Criteria: Ambry Variant Classification Scheme 2023. Collection method: clinical testing. Allele origin: germline.

NM_000069.3(CACNA1S):c.3428C>T (p.Ser1143Leu)

Gene: CACNA1S (calcium voltage-gated channel subunit alpha1 S; minus strand). Cytogenetic location: 1q32.1.
Variant type: single nucleotide variant.
Coding change: c.3428C>T on transcript NM_000069.3 (MANE Select); coding-DNA position 3428, C replaced by T.
Protein change: p.Ser1143Leu; replaces serine 1143 with leucine.
Molecular consequence: missense variant.
Genome position (GRCh38, 1-based): chr1:201,059,286, G>A on the plus strand (C>T on the coding strand, the complement: CACNA1S is on the minus strand). VCF-style: chr1-201059286-G-A. GRCh37 (hg19) VCF-style: chr1-201028414-G-A.
Other names: c.3428C>T (NM_000069.2); short protein forms S1143L.
Identifiers: ClinVar variation 1504042 (VCV001504042.11), dbSNP rs756712640, ClinGen allele CA082551.